The following is an entry in ClinVar:

ClinVar aggregate classification (germline): Conflicting classifications of pathogenicity. Review status: criteria provided, conflicting classifications (1 of 4 stars). 3 submissions from 3 submitters: Pathogenic (1); Likely pathogenic (1); Uncertain significance (1). Last evaluated 2025-10-03.

Conditions:
Hereditary cancer-predisposing syndrome. Also called: Hereditary Cancer Syndrome; Hereditary neoplastic syndrome; Tumor predisposition; Neoplastic Syndromes, Hereditary. Identifiers: Orphanet 140162, MedGen C0027672, MeSH D009386, MONDO:0015356.
Cardiovascular phenotype. Identifiers: MedGen CN230736.
RASopathy. Also called: Noonan spectrum disorder; rasopathies. Identifiers: Orphanet 536391, MedGen C5555857, MONDO:0021060.

Submissions (3):

Labcorp Genetics (formerly Invitae), Labcorp
Classification: Pathogenic. Last evaluated: 2025-10-03. Review status: criteria provided, single submitter. Criteria: Invitae Variant Classification Sherloc (09022015). Collection method: clinical testing. Allele origin: germline.
Comment: This sequence change creates a premature translational stop signal (p.Lys805Serfs*8) in the LZTR1 gene. While this is not anticipated to result in nonsense mediated decay, it is expected to disrupt the last 36 amino acid(s) of the LZTR1 protein. This variant is present in population databases (rs778908038, gnomAD 0.007%). This variant has not been reported in the literature in individuals affected with LZTR1-related conditions. ClinVar contains an entry for this variant (Variation ID: 1790925). This variant disrupts a region of the LZTR1 protein in which other variant(s) (p.Leu806Trp) have been determined to be pathogenic (internal data). This suggests that this is a clinically significant region of the protein, and that variants that disrupt it are likely to be disease-causing. For these reasons, this variant has been classified as Pathogenic.

Ambry Genetics
Classification: Uncertain significance for Cardiovascular phenotype; Hereditary cancer-predisposing syndrome. Last evaluated: 2025-02-28. Review status: criteria provided, single submitter. Criteria: Ambry Variant Classification Scheme 2023. Collection method: clinical testing. Allele origin: germline.
Comment: The c.2414delA variant, located in coding exon 21 of the LZTR1 gene, results from a deletion of one nucleotide at nucleotide position 2414, causing a translational frameshift with a predicted alternate stop codon (p.K805Sfs*8). This alteration occurs at the 3' terminus of theLZTR1 gene, is not expected to trigger nonsense-mediated mRNAdecay, and only impacts the last 36 amino acids of the protein. The exact functional effect of this alteration is unknown. Since supporting evidence is limited at this time, the clinical significance of this alteration remains unclear.

Women's Health and Genetics/Laboratory Corporation of America, LabCorp
Classification: Likely pathogenic for RASopathy. Last evaluated: 2025-01-29. Review status: criteria provided, single submitter. Criteria: LabCorp Variant Classification Summary - May 2015. Collection method: clinical testing. Allele origin: germline.
Comment: Variant summary: LZTR1 c.2414delA (p.Lys805SerfsX8) results in a premature termination codon, predicted to cause a truncation of the encoded protein or absence of the protein, however, is not predicted to undergo nonsense mediated decay. A variant downstream of this position has been classified Likely Pathogenic in ClinVar (c.2417T>G , p.Leu806Trp). The variant allele was found at a frequency of 4e-06 in 249998 control chromosomes. To our knowledge, no occurrence of c.2414delA in individuals affected with Noonan Syndrome and no experimental evidence demonstrating its impact on protein function have been reported. ClinVar contains an entry for this variant (Variation ID: 1790925). Based on the evidence outlined above, the variant was classified as likely pathogenic.

NM_006767.4(LZTR1):c.2414del (p.Lys805fs)

Gene: LZTR1 (leucine zipper like post translational regulator 1; plus strand). Cytogenetic location: 22q11.21.
Variant type: Deletion.
Coding change: c.2414del on transcript NM_006767.4 (MANE Select); coding-DNA position 2414, one base deleted (A; older notation c.2414delA).
Protein change: p.Lys805fs; shifts the reading frame from lysine 805.
Molecular consequence: frameshift variant.
Genome position (GRCh38, 1-based): chr22:20,997,239, A deleted; the last of 2 consecutive A bases (chr22:20,997,238-20,997,239); deleting either gives the same sequence. VCF-style (leftmost placement, unchanged base first): chr22-20997237-CA-C. GRCh37 (hg19) VCF-style: chr22-21351526-CA-C.
Other names: c.2414delA (NM_006767.4); short protein forms K805fs.
Identifiers: ClinVar variation 1790925 (VCV001790925.10), dbSNP rs778908038, ClinGen allele CA10119454.